The following is an entry in ClinVar:

ClinVar aggregate classification (germline): Conflicting classifications of pathogenicity. Review status: criteria provided, conflicting classifications (1 of 4 stars). 2 submissions from 1 submitter: Uncertain significance (1); Benign (1). Last evaluated 2018-01-13.

Conditions:
Familial spontaneous pneumothorax (PSP). Identifiers: Orphanet 2903, MedGen C1868193, MONDO:0008259, OMIM 173600.
Birt-Hogg-Dube syndrome. Also called: Birt Hogg Dubé syndrome. Identifiers: Orphanet 122, MedGen C0346010, MONDO:0800444.

Allele frequency attached by ClinVar (database versions not stated): gnomAD exomes 0.00003; TOPMed 0.00016; gnomAD 0.00017; 1000 Genomes Project 30x 0.00047; 1000 Genomes Project 0.00060.

Submissions (2):

Illumina Laboratory Services, Illumina
Classification: Uncertain significance for Familial spontaneous pneumothorax. Last evaluated: 2018-01-13. Review status: criteria provided, single submitter. Criteria: ICSL Variant Classification Criteria 13 December 2019. Collection method: clinical testing. Allele origin: germline.

Illumina Laboratory Services, Illumina
Classification: Benign for Birt-Hogg-Dube syndrome 1. Last evaluated: 2018-01-13. Review status: criteria provided, single submitter. Criteria: ICSL Variant Classification Criteria 13 December 2019. Collection method: clinical testing. Allele origin: germline.
Comment: This variant was observed in the ICSL laboratory as part of a predisposition screen in an ostensibly healthy population. It had not been previously curated by ICSL or reported in the Human Gene Mutation Database (HGMD: prior to June 1st, 2018), and was therefore a candidate for classification through an automated scoring system. Utilizing variant allele frequency, disease prevalence and penetrance estimates, and inheritance mode, an automated score was calculated to assess if this variant is too frequent to cause the disease. Based on the score and internal cut-off values, a variant classified as benign is not then subjected to further curation. The score for this variant resulted in a classification of benign for this disease.

NM_144997.7(FLCN):c.*528G>A

Gene: FLCN (folliculin; minus strand). Cytogenetic location: 17p11.2.
Variant type: single nucleotide variant.
Coding change: c.*528G>A on transcript NM_144997.7 (MANE Select); 528 bases downstream of the stop codon, G replaced by A.
Molecular consequence: 3 prime UTR variant.
Genome position (GRCh38, 1-based): chr17:17,213,127, C>T on the plus strand (G>A on the coding strand, the complement: FLCN is on the minus strand). VCF-style: chr17-17213127-C-T. GRCh37 (hg19) VCF-style: chr17-17116441-C-T.
Other names: c.*528G>A (LRG_325t1, NM_001353229.2, NM_001353230.2 and 1 more transcripts).
Identifiers: ClinVar variation 322049 (VCV000322049.5), dbSNP rs184006653, ClinGen allele CA10648693.